The following is an entry in ClinVar:

NM_033402.5(LRRCC1):c.1721C>T (p.Ala574Val)

Gene: LRRCC1 (leucine rich repeat and coiled-coil centrosomal protein 1; plus strand). Cytogenetic location: 8q21.2.
Variant type: single nucleotide variant.
Coding change: c.1721C>T on transcript NM_033402.5 (MANE Select); coding-DNA position 1721, C replaced by T.
Protein change: p.Ala574Val; replaces alanine 574 with valine.
Molecular consequence: missense variant.
Genome position (GRCh38, 1-based): chr8:85,130,013, C>T. VCF-style: chr8-85130013-C-T. GRCh37 (hg19) VCF-style: chr8-86042248-C-T.
Other names: c.1442C>T, p.Ala481Val (NM_001349636.2); c.1295C>T, p.Ala432Val (NM_001349637.2); c.824C>T, p.Ala275Val (NM_001349638.2); c.584C>T, p.Ala195Val (NM_001349639.2); short protein forms A275V, A481V, A195V, A432V, A574V.
Identifiers: ClinVar variation 3121021 (VCV003121021.2), dbSNP rs765839225, ClinGen allele CA4794737.
Genomic context (GRCh38, chr8:85,130,013, plus strand): 5'-CAGCTGCCGATAGAGAAATATACTTACTTAGAACTTCCCTTCATCGAGAAAGAGAACAAG[C>T]GCAACAACTTCATCAACTTCTTGCATTGAAAGAACAGGAACACAGGTAAATGAAAAATGT-3'
Protein context (NP_208325.3, residues 564-584): RTSLHREREQ[Ala574Val]QQLHQLLALK

ClinVar aggregate classification (germline): Conflicting classifications of pathogenicity. Review status: criteria provided, conflicting classifications (1 of 4 stars). 2 submissions from 2 submitters: Uncertain significance (1); Likely benign (1). Last evaluated 2026-01-03.

Allele frequency attached by ClinVar (database versions not stated): gnomAD 0.00001; ExAC 0.00002; TOPMed 0.00003.
gnomAD v4.1: 34 of 1,598,738 alleles (0.0021%); highest among the groups gnomAD compares: East Asian, 0.0046%; no homozygotes.

Submissions (2):

Labcorp Genetics (formerly Invitae), Labcorp
Classification: Uncertain significance. Last evaluated: 2026-01-03. Review status: criteria provided, single submitter. Criteria: Invitae Variant Classification Sherloc (09022015). Collection method: clinical testing. Allele origin: germline.
Comment: This sequence change replaces alanine, which is neutral and non-polar, with valine, which is neutral and non-polar, at codon 574 of the LRRCC1 protein (p.Ala574Val). This variant is present in population databases (rs765839225, gnomAD 0.005%). This variant has not been reported in the literature in individuals affected with LRRCC1-related conditions. ClinVar contains an entry for this variant (Variation ID: 3121021). An algorithm developed to predict the effect of missense changes on protein structure and function outputs the following: PolyPhen-2: "Benign". The valine amino acid residue is found in multiple mammalian species, which suggests that this missense change does not adversely affect protein function. In summary, the available evidence is currently insufficient to determine the role of this variant in disease. Therefore, it has been classified as a Variant of Uncertain Significance.

Ambry Genetics
Classification: Likely benign. Last evaluated: 2024-03-01. Review status: criteria provided, single submitter. Criteria: Ambry Variant Classification Scheme 2023. Collection method: clinical testing. Allele origin: germline.